The following is an entry in ClinVar:

ClinVar aggregate classification (germline): Benign/Likely benign. Review status: criteria provided, multiple submitters, no conflicts (2 of 4 stars). 8 submissions from 8 submitters: Benign (7); Likely benign (1). Last evaluated 2026-02-04.

Conditions:
Hepatic veno-occlusive disease-immunodeficiency syndrome. Also called: Hepatic Veno-Occlusive Disease with Immunodeficiency. Identifiers: Orphanet 79124, MedGen C1856128, MONDO:0009338, OMIM 235550. Disease mechanism: loss of function.

Allele frequency attached by ClinVar (database versions not stated): 1000 Genomes Project 0.22883; 1000 Genomes Project 30x 0.23204; ExAC 0.23788; gnomAD exomes 0.23843 and 0.24569; gnomAD 0.26879 and 0.27398; TOPMed 0.27766; ESP Exome Variant Server 0.28694.
gnomAD v4.1: 392,803 of 1,582,472 alleles (25%); highest among the groups gnomAD compares: African/African-American, 34%; 50,454 homozygotes.

Submissions (8):

Labcorp Genetics (formerly Invitae), Labcorp
Classification: Benign for Hepatic veno-occlusive disease-immunodeficiency syndrome. Last evaluated: 2026-02-04. Review status: criteria provided, single submitter. Criteria: Invitae Variant Classification Sherloc (09022015). Collection method: clinical testing. Allele origin: germline.

Blueprint Genetics
Classification: Likely benign. Last evaluated: 2024-11-26. Review status: criteria provided, single submitter. Criteria: ACMG Guidelines, 2015. Collection method: clinical testing. Allele origin: germline.

Unidad de Genómica Garrahan, Hospital de Pediatría Garrahan
Classification: Benign. Last evaluated: 2024-01-24. Review status: criteria provided, single submitter. Criteria: ACMG Guidelines, 2015. Collection method: clinical testing. Allele origin: germline. Affected: no. Observed: 53 variant alleles.
Comment: This variant is classified as Benign based on local population frequency. This variant was detected in 56% of patients studied by a panel of primary immunodeficiencies. Number of patients: 53. Only high quality variants are reported.

Mayo Clinic Laboratories, Mayo Clinic
Classification: Benign. Last evaluated: 2022-09-06. Review status: criteria provided, single submitter. Criteria: ACMG Guidelines, 2015. Collection method: clinical testing. Allele origin: germline. Observed: 2 variant alleles.

Genome-Nilou Lab
Classification: Benign for Hepatic veno-occlusive disease-immunodeficiency syndrome. Last evaluated: 2021-07-15. Review status: criteria provided, single submitter. Criteria: ACMG Guidelines, 2015. Collection method: clinical testing. Allele origin: germline. Affected: no.

Illumina Laboratory Services, Illumina
Classification: Benign for Hepatic veno-occlusive disease-immunodeficiency syndrome. Last evaluated: 2018-01-13. Review status: criteria provided, single submitter. Criteria: ICSL Variant Classification Criteria 13 December 2019. Collection method: clinical testing. Allele origin: germline.
Comment: This variant was observed in the ICSL laboratory as part of a predisposition screen in an ostensibly healthy population. It had not been previously curated by ICSL or reported in the Human Gene Mutation Database (HGMD: prior to June 1st, 2018), and was therefore a candidate for classification through an automated scoring system. Utilizing variant allele frequency, disease prevalence and penetrance estimates, and inheritance mode, an automated score was calculated to assess if this variant is too frequent to cause the disease. Based on the score and internal cut-off values, a variant classified as benign is not then subjected to further curation. The score for this variant resulted in a classification of benign for this disease.

Laboratory for Molecular Medicine, Mass General Brigham Personalized Medicine
Classification: Benign. Last evaluated: 2016-03-29. Review status: criteria provided, single submitter. Criteria: LMM Criteria. Collection method: clinical testing. Allele origin: germline.
Comment: Variant identified in a genome or exome case(s) and assessed due to predicted null impact of the variant or pathogenic assertions in the literature or databases. Disclaimer: This variant has not undergone full assessment. The following are preliminary notes: Frequency

Breakthrough Genomics
Classification: Benign. Review status: criteria provided, single submitter. Criteria: ACMG Guidelines, 2015. Collection method: not provided. Allele origin: germline. Inheritance: Autosomal recessive inheritance. Affected: yes.

NM_080424.4(SP110):c.584-9C>T

Genes: SP110 (SP110 nuclear body protein; minus strand), SP140 (SP140 nuclear body protein; plus strand). Cytogenetic location: 2q37.1.
Variant type: single nucleotide variant.
Coding change: c.584-9C>T on transcript NM_080424.4 (MANE Select); 9 bases into the intron before coding-DNA position 584, C replaced by T.
Molecular consequence: intron variant.
Genome position (GRCh38, 1-based): chr2:230,212,439, G>A on the plus strand (C>T on the coding strand, the complement: SP110 is on the minus strand). VCF-style: chr2-230212439-G-A. GRCh37 (hg19) VCF-style: chr2-231077154-G-A.
Other names: p.?; c.602-9C>T (NM_001378446.1, NM_001378445.1, NM_001378442.1 and 2 more transcripts); c.584-9C>T (NM_004509.5, NM_001378443.1, NM_001378447.1 and 2 more transcripts).
Identifiers: ClinVar variation 334912 (VCV000334912.23), dbSNP rs41309096, ClinGen allele CA2154786.
Genomic context (GRCh38, chr2:230,212,439, plus strand): 5'-TCTTCTGAGTCTTCTTCCGCATTCATTTTGGATGTTAACTTGTCATTGGTCACTGAAGGA[G>A]GAAAGGAAATTATTACAGATTGCAGGGACTGGATGTCAGGGAGAAGAGTGAATGTTAAAA-3'